The following is an entry in ClinVar:

NM_006231.4(POLE):c.5604C>G (p.Phe1868Leu)

Gene: POLE (DNA polymerase epsilon, catalytic subunit; minus strand). Cytogenetic location: 12q24.33.
Variant type: single nucleotide variant.
Coding change: c.5604C>G on transcript NM_006231.4 (MANE Select); coding-DNA position 5604, C replaced by G.
Protein change: p.Phe1868Leu; replaces phenylalanine 1868 with leucine.
Molecular consequence: missense variant.
Genome position (GRCh38, 1-based): chr12:132,638,088, G>C on the plus strand (C>G on the coding strand, the complement: POLE is on the minus strand). VCF-style: chr12-132638088-G-C. GRCh37 (hg19) VCF-style: chr12-133214674-G-C.
Other names: short protein forms F1868L.
Identifiers: ClinVar variation 2087230 (VCV002087230.4), dbSNP rs2138501508, ClinGen allele CA387374116.

ClinVar aggregate classification (germline): Uncertain significance (1 of 4 stars; one submission).

Allele frequency attached by ClinVar (database versions not stated): gnomAD exomes below 0.00001.

Submission:

Labcorp Genetics (formerly Invitae), Labcorp
Classification: Uncertain significance. Last evaluated: 2023-10-05. Review status: criteria provided, single submitter. Criteria: Invitae Variant Classification Sherloc (09022015). Collection method: clinical testing. Allele origin: germline.
Comment: This sequence change replaces phenylalanine, which is neutral and non-polar, with leucine, which is neutral and non-polar, at codon 1868 of the POLE protein (p.Phe1868Leu). This variant is not present in population databases (gnomAD no frequency). This variant has not been reported in the literature in individuals affected with POLE-related conditions. ClinVar contains an entry for this variant (Variation ID: 2087230). Advanced modeling of protein sequence and biophysical properties (such as structural, functional, and spatial information, amino acid conservation, physicochemical variation, residue mobility, and thermodynamic stability) performed at Invitae indicates that this missense variant is not expected to disrupt POLE protein function. In summary, the available evidence is currently insufficient to determine the role of this variant in disease. Therefore, it has been classified as a Variant of Uncertain Significance.